The following is an entry in ClinVar:

ClinVar aggregate classification (germline): Uncertain significance (1 of 4 stars; one submission).

Submission:

CeGaT Center for Human Genetics Tuebingen
Classification: Uncertain significance. Last evaluated: 2025-08-01. Review status: criteria provided, single submitter. Criteria: CeGaT Center For Human Genetics Tuebingen Variant Classification Criteria Version 2. Collection method: clinical testing. Allele origin: germline. Affected: yes. Observed: 1 variant allele.
Comment: SOS2: PM2, PP3

NM_006939.4(SOS2):c.30C>A (p.Phe10Leu)

Genes: SOS2 (SOS Ras/Rho guanine nucleotide exchange factor 2; minus strand), LOC130055588 (ATAC-STARR-seq lymphoblastoid silent region 5718; plus strand). Cytogenetic location: 14q21.3.
Variant type: single nucleotide variant.
Coding change: c.30C>A on transcript NM_006939.4 (MANE Select); coding-DNA position 30, C replaced by A.
Protein change: p.Phe10Leu; replaces phenylalanine 10 with leucine.
Molecular consequence: missense variant.
Genome position (GRCh38, 1-based): chr14:50,231,254, G>T on the plus strand (C>A on the coding strand, the complement: SOS2 is on the minus strand). VCF-style: chr14-50231254-G-T. GRCh37 (hg19) VCF-style: chr14-50697972-G-T.
Other names: c.30C>A, p.Phe10Leu (NM_001411020.1); short protein forms F10L.
Identifiers: ClinVar variation 4085896 (VCV004085896.8).